The following is an entry in ClinVar:

ClinVar aggregate classification (germline): Uncertain significance. Review status: criteria provided, multiple submitters, no conflicts (2 of 4 stars). 5 submissions from 5 submitters: Uncertain significance (5). Last evaluated 2025-10-23.

Conditions:
Aortic aneurysm, familial thoracic 4 (AAT4). Also called: AORTIC ANEURYSM/AORTIC DISSECTION AND PATENT DUCTUS ARTERIOSUS. Identifiers: MedGen C1851504, MONDO:0007568, OMIM 132900.
Familial thoracic aortic aneurysm and aortic dissection (TAAD). Also called: Thoracic aortic aneurysms and dissections. Identifiers: Orphanet 91387, MedGen C4707243, MONDO:0019625.

Allele frequency attached by ClinVar (database versions not stated): ExAC 0.00001; gnomAD 0.00001; gnomAD exomes 0.00001; TOPMed 0.00001.
gnomAD v4.1: 19 of 1,612,908 alleles (0.0012%); highest among the groups gnomAD compares: Non-Finnish European, 0.0014%; no homozygotes.

Submissions (5):

GeneDx
Classification: Uncertain significance. Last evaluated: 2025-10-23. Review status: criteria provided, single submitter. Criteria: GeneDx Variant Classification Process June 2021. Collection method: clinical testing. Allele origin: germline. Affected: yes.
Comment: Has not been previously published as pathogenic or benign to our knowledge; Not observed at significant frequency in large population cohorts (gnomAD); In silico analysis supports that this missense variant has a deleterious effect on protein structure/function

Ambry Genetics
Classification: Uncertain significance for Familial thoracic aortic aneurysm and aortic dissection. Last evaluated: 2025-09-25. Review status: criteria provided, single submitter. Criteria: Ambry Variant Classification Scheme 2023. Collection method: clinical testing. Allele origin: germline.
Comment: The p.E1263G variant (also known as c.3788A>G), located in coding exon 27 of the MYH11 gene, results from an A to G substitution at nucleotide position 3788. The glutamic acid at codon 1263 is replaced by glycine, an amino acid with similar properties, and is located in the coiled-coil domain. This amino acid position is not well conserved in available vertebrate species. In addition, the in silico prediction for this alteration is inconclusive. Since supporting evidence is limited at this time, the clinical significance of this alteration remains unclear.

Labcorp Genetics (formerly Invitae), Labcorp
Classification: Uncertain significance for Aortic aneurysm, familial thoracic 4. Last evaluated: 2024-12-04. Review status: criteria provided, single submitter. Criteria: Invitae Variant Classification Sherloc (09022015). Collection method: clinical testing. Allele origin: germline.
Comment: This sequence change replaces glutamic acid, which is acidic and polar, with glycine, which is neutral and non-polar, at codon 1270 of the MYH11 protein (p.Glu1270Gly). This variant is present in population databases (rs759729702, gnomAD 0.002%). This variant has not been reported in the literature in individuals affected with MYH11-related conditions. ClinVar contains an entry for this variant (Variation ID: 519952). Invitae Evidence Modeling of protein sequence and biophysical properties (such as structural, functional, and spatial information, amino acid conservation, physicochemical variation, residue mobility, and thermodynamic stability) indicates that this missense variant is not expected to disrupt MYH11 protein function with a negative predictive value of 95%. In summary, the available evidence is currently insufficient to determine the role of this variant in disease. Therefore, it has been classified as a Variant of Uncertain Significance.

Color Diagnostics, LLC DBA Color Health
Classification: Uncertain significance for Familial thoracic aortic aneurysm and aortic dissection. Last evaluated: 2024-01-24. Review status: criteria provided, single submitter. Criteria: ACMG Guidelines, 2015. Collection method: clinical testing. Allele origin: germline.
Comment: This missense variant replaces glutamic acid with glycine at codon 1270 of the MYH11 protein. Computational prediction is inconclusive regarding the impact of this variant on protein structure and function. To our knowledge, functional studies have not been reported for this variant. This variant has not been reported in individuals affected with MYH11-related disorders in the literature. This variant has been identified in 2/250814 chromosomes in the general population by the Genome Aggregation Database (gnomAD). The available evidence is insufficient to determine the role of this variant in disease conclusively. Therefore, this variant is classified as a Variant of Uncertain Significance.

All of Us Research Program, National Institutes of Health
Classification: Uncertain significance for Familial thoracic aortic aneurysm and aortic dissection. Last evaluated: 2024-01-11. Review status: criteria provided, single submitter. Criteria: ACMG Guidelines, 2015. Collection method: clinical testing. Allele origin: germline. Inheritance: Autosomal dominant inheritance. Observed: 1 variant allele, 1 heterozygote.
Comment: This study involves interpretation of variants in research participants for the purpose of population health screening. Participant phenotype was not available at the time of variant classification. Additional details can be found in publication PMID: 35346344, PMCID: PMC8962531

NM_002474.3(MYH11):c.3788A>G (p.Glu1263Gly)

Gene: MYH11 (myosin heavy chain 11; minus strand). Cytogenetic location: 16p13.11.
Variant type: single nucleotide variant.
Coding change: c.3788A>G on transcript NM_002474.3 (MANE Select); coding-DNA position 3788, A replaced by G.
Protein change: p.Glu1263Gly; replaces glutamic acid 1263 with glycine.
Molecular consequence: missense variant.
Genome position (GRCh38, 1-based): chr16:15,726,918, T>C on the plus strand (A>G on the coding strand, the complement: MYH11 is on the minus strand). VCF-style: chr16-15726918-T-C. GRCh37 (hg19) VCF-style: chr16-15820775-T-C.
Other names: c.3809A>G, p.Glu1270Gly (NM_001040113.2, NM_001040114.2); c.3788A>G, p.Glu1263Gly (NM_022844.3); short protein forms E1263G, E1270G.
Identifiers: ClinVar variation 519952 (VCV000519952.12), dbSNP rs759729702, ClinGen allele CA7921891.